The following is an entry in ClinVar:

NM_031935.3(HMCN1):c.8882A>G (p.His2961Arg)

Gene: HMCN1 (hemicentin 1; plus strand). Cytogenetic location: 1q31.1.
Variant type: single nucleotide variant.
Coding change: c.8882A>G on transcript NM_031935.3 (MANE Select); coding-DNA position 8882, A replaced by G.
Protein change: p.His2961Arg; replaces histidine 2961 with arginine.
Molecular consequence: missense variant.
Genome position (GRCh38, 1-based): chr1:186,082,959, A>G. VCF-style: chr1-186082959-A-G. GRCh37 (hg19) VCF-style: chr1-186052091-A-G.
Other names: short protein forms H2961R.
Identifiers: ClinVar variation 4752900 (VCV004752900.1).

ClinVar aggregate classification (germline): Uncertain significance (1 of 4 stars; one submission).

gnomAD v4.1: 6 of 1,575,854 alleles (0.00038%); highest among the groups gnomAD compares: Middle Eastern, 0.017%; no homozygotes.

Submission:

Labcorp Genetics (formerly Invitae), Labcorp
Classification: Uncertain significance. Last evaluated: 2025-07-16. Review status: criteria provided, single submitter. Criteria: Invitae Variant Classification Sherloc (09022015). Collection method: clinical testing. Allele origin: germline.
Comment: This sequence change replaces histidine, which is basic and polar, with arginine, which is basic and polar, at codon 2961 of the HMCN1 protein (p.His2961Arg). The frequency data for this variant in the population databases is considered unreliable, as metrics indicate poor data quality at this position in the gnomAD database. This variant has not been reported in the literature in individuals affected with HMCN1-related conditions. An algorithm developed to predict the effect of missense changes on protein structure and function (PolyPhen-2) suggests that this variant is likely to be tolerated. In summary, the available evidence is currently insufficient to determine the role of this variant in disease. Therefore, it has been classified as a Variant of Uncertain Significance.